The following is an entry in ClinVar:

ClinVar aggregate classification (germline): Uncertain significance (1 of 4 stars; one submission).

Allele frequency attached by ClinVar (database versions not stated): gnomAD exomes below 0.00001.

Submission:

Labcorp Genetics (formerly Invitae), Labcorp
Classification: Uncertain significance. Last evaluated: 2023-04-16. Review status: criteria provided, single submitter. Criteria: Invitae Variant Classification Sherloc (09022015). Collection method: clinical testing. Allele origin: germline.
Comment: This variant has not been reported in the literature in individuals affected with ANG-related conditions. This variant is not present in population databases (gnomAD no frequency). This sequence change creates a premature translational stop signal (p.Ala40Glnfs*16) in the ANG gene. While this is not anticipated to result in nonsense mediated decay, it is expected to disrupt the last 108 amino acid(s) of the ANG protein. Experimental studies and prediction algorithms are not available or were not evaluated, and the functional significance of this variant is currently unknown. In summary, the available evidence is currently insufficient to determine the role of this variant in disease. Therefore, it has been classified as a Variant of Uncertain Significance.

NM_001097577.3(ANG):c.117_118insCA (p.Ala40fs)

Genes: ANG (angiogenin; plus strand), EGILA (EGFR interacting lncRNA; minus strand), RNASE4 (ribonuclease A family member 4; plus strand). Cytogenetic location: 14q11.2.
Variant type: Insertion.
Coding change: c.117_118insCA on transcript NM_001097577.3 (MANE Select); coding-DNA positions 117 to 118, CA inserted.
Protein change: p.Ala40fs; shifts the reading frame from alanine 40.
Molecular consequence: frameshift variant. On other transcripts: non-coding transcript variant (1), intron variant (4).
Genome position: GRCh38 VCF-style: chr14-20693681-T-TCA. GRCh37 (hg19) VCF-style: chr14-21161840-T-TCA.
Other names: c.117_118insCA, p.Ala40fs (NM_001145.4, NM_001385271.1, NM_001385272.1 and 2 more transcripts); c.-18+31_-18+32insCA (NM_001282192.2); c.-17-5674_-17-5673insCA (NM_002937.5, NM_001282193.2); c.-18+4807_-18+4808insCA (NM_194431.3); short protein forms A40fs.
Identifiers: ClinVar variation 2765172 (VCV002765172.3), dbSNP rs2502151314, ClinGen allele CA2575472916.